The following is an entry in ClinVar:

NM_005883.3(APC2):c.340G>A (p.Gly114Arg)

Gene: APC2 (APC regulator of WNT signaling pathway 2; plus strand). Cytogenetic location: 19p13.3.
Variant type: single nucleotide variant.
Coding change: c.340G>A on transcript NM_005883.3 (MANE Select); coding-DNA position 340, G replaced by A.
Protein change: p.Gly114Arg; replaces glycine 114 with arginine.
Molecular consequence: missense variant.
Genome position (GRCh38, 1-based): chr19:1,453,538, G>A. VCF-style: chr19-1453538-G-A. GRCh37 (hg19) VCF-style: chr19-1453537-G-A.
Other names: c.340G>A, p.Gly114Arg (NM_001351273.1); short protein forms G114R.
Identifiers: ClinVar variation 1974407 (VCV001974407.4), dbSNP rs778302871, ClinGen allele CA9044696.

ClinVar aggregate classification (germline): Uncertain significance (1 of 4 stars; one submission).

Allele frequency attached by ClinVar (database versions not stated): ExAC 0.00002.
gnomAD v4.1: 15 of 1,611,736 alleles (0.00093%); highest among the groups gnomAD compares: Non-Finnish European, 0.0012%; no homozygotes.

Submission:

Labcorp Genetics (formerly Invitae), Labcorp
Classification: Uncertain significance. Last evaluated: 2024-11-05. Review status: criteria provided, single submitter. Criteria: Invitae Variant Classification Sherloc (09022015). Collection method: clinical testing. Allele origin: germline.
Comment: This sequence change replaces glycine, which is neutral and non-polar, with arginine, which is basic and polar, at codon 114 of the APC2 protein (p.Gly114Arg). This variant is present in population databases (rs778302871, gnomAD 0.002%). This variant has not been reported in the literature in individuals affected with APC2-related conditions. ClinVar contains an entry for this variant (Variation ID: 1974407). An algorithm developed to predict the effect of missense changes on protein structure and function (PolyPhen-2) suggests that this variant is likely to be disruptive. In summary, the available evidence is currently insufficient to determine the role of this variant in disease. Therefore, it has been classified as a Variant of Uncertain Significance.